The following is an entry in ClinVar:

NM_014915.3(ANKRD26):c.4133A>G (p.Glu1378Gly)

Gene: ANKRD26 (ankyrin repeat domain 26; minus strand). Cytogenetic location: 10p12.1.
Variant type: single nucleotide variant.
Coding change: c.4133A>G on transcript NM_014915.3 (MANE Select); coding-DNA position 4133, A replaced by G.
Protein change: p.Glu1378Gly; replaces glutamic acid 1378 with glycine.
Molecular consequence: missense variant.
Genome position (GRCh38, 1-based): chr10:27,022,640, T>C on the plus strand (A>G on the coding strand, the complement: ANKRD26 is on the minus strand). VCF-style: chr10-27022640-T-C. GRCh37 (hg19) VCF-style: chr10-27311569-T-C.
Other names: c.4130A>G, p.Glu1377Gly (NM_001256053.2); short protein forms E1377G, E1378G.
Identifiers: ClinVar variation 5023233 (VCV005023233.1).
Genomic context (GRCh38, chr10:27,022,640, plus strand): 5'-TGAATATCCATTTCAAATTGACTAGTTTTTAAATCTCCATGGAAACTAAATTCTCCATTT[T>C]CATATTCATTTAACTTCTTTCTTGTCATTTTTAAGAGGTTCTTAAATCTGCAGGAAGGTA-3'
Protein context (NP_055730.2, residues 1368-1388): KMTRKKLNEY[Glu1378Gly]NGEFSFHGDL

ClinVar aggregate classification (germline): Uncertain significance (1 of 4 stars; one submission).

Conditions:
Inborn genetic diseases. Identifiers: MedGen C0950123, MeSH D030342.

Submission:

Ambry Genetics
Classification: Uncertain significance for Inborn genetic diseases. Last evaluated: 2026-07-21. Review status: criteria provided, single submitter. Criteria: Ambry Variant Classification Scheme 2023. Collection method: clinical testing. Allele origin: germline.
Comment: The p.E1378G variant (also known as c.4133A>G), located in coding exon 29 of the ANKRD26 gene, results from an A to G substitution at nucleotide position 4133. The glutamic acid at codon 1378 is replaced by glycine, an amino acid with similar properties. This amino acid position is conserved. In addition, this alteration is predicted to be tolerated by in silico analysis. Based on the available evidence, the clinical significance of this variant remains unclear.